The following is an entry in ClinVar:

NM_001148.6(ANK2):c.6304G>A (p.Glu2102Lys)

Genes: ANK2 (ankyrin 2; plus strand), LOC126807136 (MED14-independent group 3 enhancer GRCh37_chr4:114274931-114276130; plus strand). Cytogenetic location: 4q26.
Variant type: single nucleotide variant.
Coding change: c.6304G>A on transcript NM_001148.6 (MANE Select); coding-DNA position 6304, G replaced by A.
Protein change: p.Glu2102Lys; replaces glutamic acid 2102 with lysine.
Molecular consequence: missense variant. On other transcripts: intron variant (68).
Genome position (GRCh38, 1-based): chr4:113,354,922, G>A. VCF-style: chr4-113354922-G-A. GRCh37 (hg19) VCF-style: chr4-114276078-G-A.
Other names: c.6070G>A, p.Glu2024Lys (NM_001386142.1); c.2704G>A, p.Glu902Lys (NM_001386166.1); c.6445G>A, p.Glu2149Lys (NM_001386174.1); c.6421G>A, p.Glu2141Lys (NM_001386175.1); c.4411+4673G>A (NM_001386186.2, NM_001386148.2); c.4213+4673G>A (NM_001354269.3); c.4291+4673G>A (NM_001386187.2); c.4252+4673G>A (NM_001386147.1); and 35 more; short protein forms E2141K, E2102K, E902K, E2024K, E2149K.
Identifiers: ClinVar variation 2912055 (VCV002912055.3), dbSNP rs2095652959, ClinGen allele CA357922958.

ClinVar aggregate classification (germline): Uncertain significance (1 of 4 stars; one submission).

Conditions:
Long QT syndrome (LQTS). Identifiers: MedGen C0023976, MeSH D008133, MONDO:0002442. Disease mechanism: loss of function. Inheritance: Various modes of inheritance.

Allele frequency attached by ClinVar (database versions not stated): TOPMed 0.00001.

Submission:

Labcorp Genetics (formerly Invitae), Labcorp
Classification: Uncertain significance for Long QT syndrome. Last evaluated: 2023-12-06. Review status: criteria provided, single submitter. Criteria: Invitae Variant Classification Sherloc (09022015). Collection method: clinical testing. Allele origin: germline.
Comment: This sequence change replaces glutamic acid, which is acidic and polar, with lysine, which is basic and polar, at codon 2102 of the ANK2 protein (p.Glu2102Lys). This variant is not present in population databases (gnomAD no frequency). This variant has not been reported in the literature in individuals affected with ANK2-related conditions. Advanced modeling of protein sequence and biophysical properties (such as structural, functional, and spatial information, amino acid conservation, physicochemical variation, residue mobility, and thermodynamic stability) performed at Invitae indicates that this missense variant is not expected to disrupt ANK2 protein function with a negative predictive value of 80%. In summary, the available evidence is currently insufficient to determine the role of this variant in disease. Therefore, it has been classified as a Variant of Uncertain Significance.